The following is an entry in ClinVar:

ClinVar aggregate classification (germline): Uncertain significance. Review status: criteria provided, single submitter (1 of 4 stars). 2 submissions from 1 submitter: Uncertain significance (1). 1 of the submissions does not count toward it. Last evaluated 2023-10-20.

Conditions:
Familial adenomatous polyposis 1 (FAP1). Also called: POLYPOSIS, ADENOMATOUS INTESTINAL; FAMILIAL ADENOMATOUS POLYPOSIS 1, ATTENUATED. Identifiers: MedGen C2713442, MONDO:0021056, OMIM 175100. Disease mechanism: loss of function.

Submissions (2):

Labcorp Genetics (formerly Invitae), Labcorp
Classification: Uncertain significance for Familial adenomatous polyposis 1. Last evaluated: 2023-10-20. Review status: criteria provided, single submitter. Criteria: Invitae Variant Classification Sherloc (09022015). Collection method: clinical testing. Allele origin: germline.
Comment: This variant results in a copy number gain of the genomic region encompassing promoter 1A of the APC gene. The 5' boundary is likely confined to the region between promoter 1B and promoter 1A. The 3' boundary is likely confined to intron 1 of the APC gene. While the exact position of this variant cannot be determined from this data, sub-genic copy number gains are generally in tandem (PMID: 25640679). This variant has not been reported in the literature in individuals affected with APC-related conditions. Experimental studies are not available for this variant, and the functional significance of this duplication is currently unknown. While APC expression may occur in the duplicated region containing promoter 1A, it is more likely to be expressed from the original region also containing promoter 1B, which has been shown to drive higher levels of APC expression (PMID: 21643010). In summary, the available evidence is currently insufficient to determine the role of this variant in disease. Therefore, it has been classified as a Variant of Uncertain Significance.

Labcorp Genetics (formerly Invitae), Labcorp
Classification: Uncertain significance for Familial adenomatous polyposis 1. Last evaluated: 2019-10-30. Review status: flagged submission. Criteria: Invitae Variant Classification Sherloc (09022015). Collection method: clinical testing. Allele origin: germline. Not counted in ClinVar's aggregate classification.
Comment: This variant results in a copy number gain of the genomic region encompassing promoter 1A of the APC gene. The 5' boundary is likely confined to be between promoter 1B and promoter 1A. The 3' boundary is likely confined to intron 1 of the APC gene. While the exact position of this variant cannot be determined from this data, sub-genic copy number gains are generally in tandem (PMID: 25640679). A copy number gain of promoter 1A alone has not been reported in the literature in individuals with APC-related conditions. Experimental studies are not available for this variant, and the functional significance of this duplication is currently unknown. While APC expression may occur in the duplicated region containing promoter 1A, it is more likely to be expressed from the original region also containing promoter 1B, which has been shown to drive higher levels of APC expression (PMID: 21643010). In summary, the available evidence is currently insufficient to determine the role of this variant in disease. Therefore, it has been classified as a Variant of Uncertain Significance.
ClinVar note: Reason: This record appears to be redundant with a more recent record from the same submitter.
ClinVar note: Notes: SCV001195573 appears to be redundant with SCV002256849.

Literature cited by the submitters: PubMed 25640679; PubMed 21643010.

NC_000005.10:g.(?_112737024)_(112737888_?)dup

Gene: APC (APC regulator of Wnt signaling pathway; plus strand). Cytogenetic location: 5q22.2.
Variant type: Duplication.
Identifiers: ClinVar variation 831726 (VCV000831726.5).